The following is an entry in ClinVar:

ClinVar aggregate classification (germline): Likely benign. Review status: criteria provided, single submitter (1 of 4 stars). 2 submissions from 2 submitters: Likely benign (1). 1 of the submissions does not count toward it. Last evaluated 2024-01-17.

Conditions:
SKIC3-related disorder. Also called: SKIC3-related condition.

Allele frequency attached by ClinVar (database versions not stated): gnomAD exomes below 0.00001.
gnomAD v4.1: 6 of 1,613,972 alleles (0.00037%); highest among the groups gnomAD compares: South Asian, 0.0011%; no homozygotes.

Submissions (2):

Labcorp Genetics (formerly Invitae), Labcorp
Classification: Likely benign. Last evaluated: 2024-01-17. Review status: criteria provided, single submitter. Criteria: Invitae Variant Classification Sherloc (09022015). Collection method: clinical testing. Allele origin: germline.

PreventionGenetics, part of Exact Sciences
Classification: Likely benign for SKIC3-related condition. Last evaluated: 2020-06-15. Review status: no assertion criteria provided. Collection method: clinical testing. Allele origin: germline. Not counted in ClinVar's aggregate classification.
Comment: This variant is classified as likely benign based on ACMG/AMP sequence variant interpretation guidelines (Richards et al. 2015 PMID: 25741868, with internal and published modifications).

NM_014639.4(SKIC3):c.1311A>G (p.Leu437=)

Gene: SKIC3 (SKI3 subunit of superkiller complex; minus strand). Cytogenetic location: 5q15.
Variant type: single nucleotide variant.
Coding change: c.1311A>G on transcript NM_014639.4 (MANE Select); coding-DNA position 1311, A replaced by G.
Protein change: p.Leu437=; no amino-acid change (leucine 437 retained).
Molecular consequence: synonymous variant.
Genome position (GRCh38, 1-based): chr5:95,525,412, T>C on the plus strand (A>G on the coding strand, the complement: SKIC3 is on the minus strand). VCF-style: chr5-95525412-T-C. GRCh37 (hg19) VCF-style: chr5-94861116-T-C.
Identifiers: ClinVar variation 2888885 (VCV002888885.5), dbSNP rs1747558230, ClinGen allele CA445488036.
Genomic context (GRCh38, chr5:95,525,412, plus strand): 5'-AGAACTAAGATGTAAATGGTTCTATGAGCAATTTATATATCCTTACCATTTTTCTGCTTG[T>C]AGATAGTCCTTTTTGGTGAAATGAATCAAAGCCTCAAGGGCATGAACTTCAGCTAGGTCA-3'
Protein context (NP_055454.1, residues 427-447): ALIHFTKKDY[Leu437=]QAEKCFQRAL